The following is an entry in ClinVar:

NM_001267052.2(UNC45B):c.1816G>A (p.Glu606Lys)

Gene: UNC45B (unc-45 myosin chaperone B; plus strand). Cytogenetic location: 17q12.
Variant type: single nucleotide variant.
Coding change: c.1816G>A on transcript NM_001267052.2 (MANE Select); coding-DNA position 1816, G replaced by A.
Protein change: p.Glu606Lys; replaces glutamic acid 606 with lysine.
Molecular consequence: missense variant.
Genome position (GRCh38, 1-based): chr17:35,171,448, G>A. VCF-style: chr17-35171448-G-A. GRCh37 (hg19) VCF-style: chr17-33498467-G-A.
Other names: c.1816G>A, p.Glu606Lys (NM_001033576.2); c.1579G>A, p.Glu527Lys (NM_001308281.1); c.1822G>A, p.Glu608Lys (NM_173167.3); short protein forms E527K, E606K, E608K.
Identifiers: ClinVar variation 2417234 (VCV002417234.7), dbSNP rs577413644, ClinGen allele CA8501280.

ClinVar aggregate classification (germline): Uncertain significance. Review status: criteria provided, multiple submitters, no conflicts (2 of 4 stars). 2 submissions from 2 submitters: Uncertain significance (2). Last evaluated 2025-05-04.

Conditions:
UNC45B-related disorder. Also called: UNC45B-related condition.

Allele frequency attached by ClinVar (database versions not stated): ExAC 0.00001; gnomAD 0.00002; 1000 Genomes Project 30x 0.00016; 1000 Genomes Project 0.00020.
gnomAD v4.1: 11 of 1,614,088 alleles (0.00068%); highest among the groups gnomAD compares: East Asian, 0.0067%; no homozygotes.

Submissions (2):

PreventionGenetics, part of Exact Sciences
Classification: Uncertain significance for UNC45B-related condition. Last evaluated: 2025-05-04. Review status: criteria provided, single submitter. Criteria: ACMG Guidelines, 2015. Collection method: clinical testing. Allele origin: germline.
Comment: The UNC45B c.1822G>A variant is predicted to result in the amino acid substitution p.Glu608Lys. To our knowledge, this variant has not been reported in the literature. This variant is reported in 0.010% of alleles in individuals of East Asian descent in gnomAD. At this time, the clinical significance of this variant is uncertain due to the absence of conclusive functional and genetic evidence.

Labcorp Genetics (formerly Invitae), Labcorp
Classification: Uncertain significance. Last evaluated: 2022-07-30. Review status: criteria provided, single submitter. Criteria: Invitae Variant Classification Sherloc (09022015). Collection method: clinical testing. Allele origin: germline.
Comment: This sequence change replaces glutamic acid, which is acidic and polar, with lysine, which is basic and polar, at codon 608 of the UNC45B protein (p.Glu608Lys). This variant is present in population databases (rs577413644, gnomAD 0.01%). In summary, the available evidence is currently insufficient to determine the role of this variant in disease. Therefore, it has been classified as a Variant of Uncertain Significance. Algorithms developed to predict the effect of missense changes on protein structure and function are either unavailable or do not agree on the potential impact of this missense change (SIFT: "Tolerated"; PolyPhen-2: "Probably Damaging"; Align-GVGD: "Class C0"). This variant has not been reported in the literature in individuals affected with UNC45B-related conditions.